The following is an entry in ClinVar:

ClinVar aggregate classification (germline): Pathogenic. Review status: criteria provided, multiple submitters, no conflicts (2 of 4 stars). 2 submissions from 2 submitters: Pathogenic (2). Last evaluated 2025-05-09.

Conditions:
Hemochromatosis type 2A (HFE2A). Also called: Adult-Onset Hemochromatosis; HJV (HFE2)-Related Juvenile Hemochromatosis. Identifiers: Orphanet 79230, MedGen C1865614, MONDO:0011216, OMIM 602390.

Submissions (2):

Natera, Inc.
Classification: Pathogenic for Hemochromatosis type 2A. Last evaluated: 2025-05-09. Review status: criteria provided, single submitter. Criteria: Natera Variant Classification Schema (03/2026). Collection method: clinical testing. Allele origin: germline.
Comment: The c.196G>T variant in HJV is a nonsense variant predicted to introduce a stop codon at amino acid 66. This variant is expected to result in nonsense mediated decay, truncation, or a dysfunctional protein product. This variant is rare in the general population with a frequency below the threshold expected for the associated phenotype(s). This variant has been observed in one or more individuals affected with the associated recessive disease, as either homozygous or compound heterozygous with a second variant (PMID: 15611318, 24635876). Given the available evidence, this variant is classified as Pathogenic.

Labcorp Genetics (formerly Invitae), Labcorp
Classification: Pathogenic. Last evaluated: 2023-08-28. Review status: criteria provided, single submitter. Criteria: Invitae Variant Classification Sherloc (09022015). Collection method: clinical testing. Allele origin: germline.
Comment: For these reasons, this variant has been classified as Pathogenic. This premature translational stop signal has been observed in individual(s) with juvenile hemochromatosis (PMID: 15611318). This variant is not present in population databases (gnomAD no frequency). This sequence change creates a premature translational stop signal (p.Gly66*) in the HJV gene. It is expected to result in an absent or disrupted protein product. Loss-of-function variants in HJV are known to be pathogenic (PMID: 20301349, 22408404).

Literature cited by the submitters: PubMed 15611318 (cited by Natera, Inc. and Labcorp Genetics (formerly Invitae), Labcorp); PubMed 24635876 (cited by Natera, Inc.); PubMed 20301349 (cited by Labcorp Genetics (formerly Invitae), Labcorp); PubMed 22408404 (cited by Labcorp Genetics (formerly Invitae), Labcorp).

NM_213653.4(HJV):c.196G>T (p.Gly66Ter)

Gene: HJV (hemojuvelin BMP co-receptor; minus strand). Cytogenetic location: 1q21.1.
Variant type: single nucleotide variant.
Coding change: c.196G>T on transcript NM_213653.4 (MANE Select); coding-DNA position 196, G replaced by T.
Protein change: p.Gly66Ter; replaces glycine 66 with a stop codon.
Molecular consequence: nonsense. On other transcripts: 5 prime UTR variant (1), intron variant (3).
Genome position (GRCh38, 1-based): chr1:146,019,636, C>A on the plus strand (G>T on the coding strand, the complement: HJV is on the minus strand). VCF-style: chr1-146019636-C-A. GRCh37 (hg19) VCF-style: chr1-145415377-G-T.
Other names: c.196G>T, p.Gly66Ter (NM_001379352.1); c.-144G>T (NM_145277.5); c.-21-936G>T (NM_213652.4); c.-22+62G>T (NM_202004.4, NM_001316767.2); c.196G>T (NM_213653.3); short protein forms G66*.
Identifiers: ClinVar variation 2733975 (VCV002733975.5), dbSNP rs1469129426, ClinGen allele CA342143488.